The following is an entry in ClinVar:

ClinVar aggregate classification (germline): Benign/Likely benign. Review status: criteria provided, multiple submitters, no conflicts (2 of 4 stars). 5 submissions from 5 submitters: Benign (1); Likely benign (4). Last evaluated 2026-04-01.

Conditions:
Spermatogenic failure 18. Identifiers: MedGen C4539783, MONDO:0054615, OMIM 617576.
Ciliary dyskinesia, primary, 37 (CILD37). Also called: CILIARY DYSKINESIA, PRIMARY, 37, WITH OR WITHOUT SITUS INVERSUS. Identifiers: MedGen C4539798, MONDO:0033204, OMIM 617577.

Allele frequency attached by ClinVar (database versions not stated): gnomAD 0.00046 and 0.00022; gnomAD exomes 0.00149; ExAC 0.00155; 1000 Genomes Project 30x 0.00203; 1000 Genomes Project 0.00240; ESP Exome Variant Server 0.00008; TOPMed 0.00034.
gnomAD v4.1: 1,210 of 1,610,956 alleles (0.075%); highest among the groups gnomAD compares: South Asian, 0.93%; 16 homozygotes.

Submissions (5):

CeGaT Center for Human Genetics Tuebingen
Classification: Likely benign. Last evaluated: 2026-04-01. Review status: criteria provided, single submitter. Criteria: CeGaT Center For Human Genetics Tuebingen Variant Classification Criteria Version 2. Collection method: clinical testing. Allele origin: germline. Affected: yes. Observed: 2 variant alleles.
Comment: DNAH1: BS2

Labcorp Genetics (formerly Invitae), Labcorp
Classification: Benign for Ciliary dyskinesia, primary, 37; Spermatogenic failure 18. Last evaluated: 2026-01-12. Review status: criteria provided, single submitter. Criteria: Invitae Variant Classification Sherloc (09022015). Collection method: clinical testing. Allele origin: germline.

Fulgent Genetics
Classification: Likely benign for Spermatogenic failure 18; Ciliary dyskinesia, primary, 37. Last evaluated: 2021-07-24. Review status: criteria provided, single submitter. Criteria: ACMG Guidelines, 2015. Collection method: clinical testing. Allele origin: unknown.

Laboratory for Molecular Medicine, Mass General Brigham Personalized Medicine
Classification: Likely benign. Last evaluated: 2016-03-29. Review status: criteria provided, single submitter. Criteria: LMM Criteria. Collection method: clinical testing. Allele origin: germline.
Comment: Variant identified in a genome or exome case(s) and assessed due to predicted null impact of the variant or pathogenic assertions in the literature or databases. Disclaimer: This variant has not undergone full assessment. The following are preliminary notes: Frequency

Breakthrough Genomics
Classification: Likely benign. Review status: criteria provided, single submitter. Criteria: ACMG Guidelines, 2015. Collection method: not provided. Allele origin: germline. Inheritance: Autosomal recessive inheritance. Affected: yes.

NM_015512.5(DNAH1):c.5332-14G>A

Gene: DNAH1 (dynein axonemal heavy chain 1; plus strand). Cytogenetic location: 3p21.1.
Variant type: single nucleotide variant.
Coding change: c.5332-14G>A on transcript NM_015512.5 (MANE Select); 14 bases into the intron before coding-DNA position 5332, G replaced by A.
Molecular consequence: intron variant.
Genome position (GRCh38, 1-based): chr3:52,364,819, G>A. VCF-style: chr3-52364819-G-A. GRCh37 (hg19) VCF-style: chr3-52398835-G-A.
Identifiers: ClinVar variation 402606 (VCV000402606.18), dbSNP rs375828810, ClinGen allele CA2434186.